The following is an entry in ClinVar:

NM_001164688.2(RD3):c.527A>G (p.Asp176Gly)

Gene: RD3 (RD3 regulator of GUCY2D; minus strand). Cytogenetic location: 1q32.3.
Variant type: single nucleotide variant.
Coding change: c.527A>G on transcript NM_001164688.2 (MANE Select); coding-DNA position 527, A replaced by G.
Protein change: p.Asp176Gly; replaces aspartic acid 176 with glycine.
Molecular consequence: missense variant.
Genome position (GRCh38, 1-based): chr1:211,479,097, T>C on the plus strand (A>G on the coding strand, the complement: RD3 is on the minus strand). VCF-style: chr1-211479097-T-C. GRCh37 (hg19) VCF-style: chr1-211652439-T-C.
Other names: c.527A>G, p.Asp176Gly (NM_183059.3); short protein forms D176G.
Identifiers: ClinVar variation 295254 (VCV000295254.11), dbSNP rs775663367, ClinGen allele CA1381047.

ClinVar aggregate classification (germline): Uncertain significance. Review status: criteria provided, multiple submitters, no conflicts (2 of 4 stars). 5 submissions from 5 submitters: Uncertain significance (4). 1 of the submissions does not count toward it. Last evaluated 2025-08-03.

Conditions:
Inborn genetic diseases. Identifiers: MedGen C0950123, MeSH D030342.
Leber congenital amaurosis 12 (LCA12). Identifiers: Orphanet 65, MedGen C1857743, MONDO:0012525, OMIM 610612.

Allele frequency attached by ClinVar (database versions not stated): gnomAD exomes 0.00002 and 0.00007; ExAC 0.00003; gnomAD 0.00003; TOPMed 0.00005.

Submissions (5):

Ambry Genetics
Classification: Uncertain significance for Inborn genetic diseases. Last evaluated: 2025-08-03. Review status: criteria provided, single submitter. Criteria: Ambry Variant Classification Scheme 2023. Collection method: clinical testing. Allele origin: germline.

Blueprint Genetics
Classification: Uncertain significance. Last evaluated: 2024-10-09. Review status: criteria provided, single submitter. Criteria: ACMG Guidelines, 2015. Collection method: clinical testing. Allele origin: germline.

Labcorp Genetics (formerly Invitae), Labcorp
Classification: Uncertain significance for Leber congenital amaurosis 12. Last evaluated: 2023-07-10. Review status: criteria provided, single submitter. Criteria: Invitae Variant Classification Sherloc (09022015). Collection method: clinical testing. Allele origin: germline.
Comment: This sequence change replaces aspartic acid, which is acidic and polar, with glycine, which is neutral and non-polar, at codon 176 of the RD3 protein (p.Asp176Gly). This variant is present in population databases (rs775663367, gnomAD 0.007%). This variant has not been reported in the literature in individuals affected with RD3-related conditions. ClinVar contains an entry for this variant (Variation ID: 295254). An algorithm developed to predict the effect of missense changes on protein structure and function (PolyPhen-2) suggests that this variant¬†is likely to be tolerated. In summary, the available evidence is currently insufficient to determine the role of this variant in disease. Therefore, it has been classified as a Variant of Uncertain Significance.

Illumina Laboratory Services, Illumina
Classification: Uncertain significance for Leber congenital amaurosis 12. Last evaluated: 2018-01-12. Review status: criteria provided, single submitter. Criteria: ICSL Variant Classification Criteria 13 December 2019. Collection method: clinical testing. Allele origin: germline.

Department of Pathology and Laboratory Medicine, Sinai Health System
Classification: Uncertain significance. Review status: no assertion criteria provided. Collection method: clinical testing. Allele origin: unknown. Affected: yes. Study: The Canadian Open Genetics Repository (COGR). Not counted in ClinVar's aggregate classification.
Comment: The RD3 p.Asp176Gly variant was not identified in the literature but was identified in dbSNP (ID: rs775663367) and ClinVar (classified as uncertain significance by Illumina). The variant was identified in control databases in 6 of 242096 chromosomes at a frequency of 0.00002478 (Genome Aggregation Database March 6, 2019, v2.1.1). The variant was observed in the European (non-Finnish) population in 6 of 109204 chromosomes (freq: 0.000055), but was not observed in the African, Latino, Ashkenazi Jewish, East Asian, European (Finnish), Other, or South Asian populations. The p.Asp176 residue is conserved in mammals but not in more distantly related organisms however computational analyses (PolyPhen-2, SIFT, AlignGVGD, BLOSUM, MutationTaster) do not suggest a high likelihood of impact to the protein; this information is not predictive enough to rule out pathogenicity. The variant occurs outside of the splicing consensus sequence and in silico or computational prediction software programs (SpliceSiteFinder, MaxEntScan, NNSPLICE, GeneSplicer) do not predict a difference in splicing. In summary, based on the above information the clinical significance of this variant cannot be determined with certainty at this time. This variant is classified as a variant of uncertain significance.